The following is an entry in ClinVar:

ClinVar aggregate classification (germline): Uncertain significance (1 of 4 stars; one submission).

Allele frequency attached by ClinVar (database versions not stated): gnomAD 0.00001.

Submission:

Labcorp Genetics (formerly Invitae), Labcorp
Classification: Uncertain significance. Last evaluated: 2019-11-27. Review status: criteria provided, single submitter. Criteria: Invitae Variant Classification Sherloc (09022015). Collection method: clinical testing. Allele origin: germline.
Comment: In summary, the available evidence is currently insufficient to determine the role of this variant in disease. Therefore, it has been classified as a Variant of Uncertain Significance. Algorithms developed to predict the effect of missense changes on protein structure and function are either unavailable or do not agree on the potential impact of this missense change (SIFT: "Deleterious"; PolyPhen-2: "Probably Damaging"; Align-GVGD: "Class C0"). This variant has not been reported in the literature in individuals with CNGB1-related conditions. This variant is not present in population databases (ExAC no frequency). This sequence change replaces alanine with proline at codon 1035 of the CNGB1 protein (p.Ala1035Pro). The alanine residue is highly conserved and there is a small physicochemical difference between alanine and proline.

NM_001297.5(CNGB1):c.3103G>C (p.Ala1035Pro)

Gene: CNGB1 (cyclic nucleotide gated channel subunit beta 1; minus strand). Cytogenetic location: 16q21.
Variant type: single nucleotide variant.
Coding change: c.3103G>C on transcript NM_001297.5 (MANE Select); coding-DNA position 3103, G replaced by C.
Protein change: p.Ala1035Pro; replaces alanine 1035 with proline.
Molecular consequence: missense variant.
Genome position (GRCh38, 1-based): chr16:57,897,536, C>G on the plus strand (G>C on the coding strand, the complement: CNGB1 is on the minus strand). VCF-style: chr16-57897536-C-G. GRCh37 (hg19) VCF-style: chr16-57931440-C-G.
Other names: c.3085G>C, p.Ala1029Pro (NM_001286130.2); short protein forms A1029P, A1035P.
Identifiers: ClinVar variation 861091 (VCV000861091.9), dbSNP rs1960267126, ClinGen allele CA396066859.